The following is an entry in ClinVar:

NM_000361.3(THBD):c.945G>A (p.Arg315=)

Gene: THBD (thrombomodulin; minus strand). Cytogenetic location: 20p11.21.
Variant type: single nucleotide variant.
Coding change: c.945G>A on transcript NM_000361.3 (MANE Select); coding-DNA position 945, G replaced by A.
Protein change: p.Arg315=; no amino-acid change (arginine 315 retained).
Molecular consequence: synonymous variant.
Genome position (GRCh38, 1-based): chr20:23,048,560, C>T on the plus strand (G>A on the coding strand, the complement: THBD is on the minus strand). VCF-style: chr20-23048560-C-T. GRCh37 (hg19) VCF-style: chr20-23029197-C-T.
Identifiers: ClinVar variation 3772023 (VCV003772023.13).

ClinVar aggregate classification (germline): Likely benign (1 of 4 stars; one submission).

gnomAD v4.1: 1 of 1,599,762 alleles (0.000063%); highest among the groups gnomAD compares: Non-Finnish European, 0.000085%; no homozygotes.

Submission:

CeGaT Center for Human Genetics Tuebingen
Classification: Likely benign. Last evaluated: 2024-12-01. Review status: criteria provided, single submitter. Criteria: CeGaT Center For Human Genetics Tuebingen Variant Classification Criteria Version 2. Collection method: clinical testing. Allele origin: germline. Affected: yes. Observed: 1 variant allele.
Comment: THBD: BP4, BP7